The following is an entry in ClinVar:

NM_001256715.2(DNAAF3):c.712G>A (p.Val238Ile)

Genes: DNAAF3 (dynein axonemal assembly factor 3; minus strand), DNAAF3-AS1 (DNAAF3 antisense RNA 1; plus strand). Cytogenetic location: 19q13.42.
Variant type: single nucleotide variant.
Coding change: c.712G>A on transcript NM_001256715.2 (MANE Select); coding-DNA position 712, G replaced by A.
Protein change: p.Val238Ile; replaces valine 238 with isoleucine.
Molecular consequence: missense variant.
Genome position (GRCh38, 1-based): chr19:55,161,370, C>T on the plus strand (G>A on the coding strand, the complement: DNAAF3 is on the minus strand). VCF-style: chr19-55161370-C-T. GRCh37 (hg19) VCF-style: chr19-55672738-C-T.
Other names: c.916G>A, p.Val306Ile (NM_001256714.1); c.550G>A, p.Val184Ile (NM_001256716.2); c.853G>A, p.Val285Ile (NM_178837.4); short protein forms V184I, V238I, V285I, V306I.
Identifiers: ClinVar variation 662796 (VCV000662796.9), dbSNP rs1380206004, ClinGen allele CA407453743.

ClinVar aggregate classification (germline): Uncertain significance (1 of 4 stars; one submission).

Conditions:
Primary ciliary dyskinesia. Also called: Ciliary dyskinesia. Identifiers: Orphanet 244, MedGen C0008780, MONDO:0016575, HP:0012265.

gnomAD v4.1: 1 of 1,606,238 alleles (0.000062%); highest among the groups gnomAD compares: South Asian, 0.0011%; no homozygotes.

Submission:

Labcorp Genetics (formerly Invitae), Labcorp
Classification: Uncertain significance for Primary ciliary dyskinesia. Last evaluated: 2018-11-22. Review status: criteria provided, single submitter. Criteria: Invitae Variant Classification Sherloc (09022015). Collection method: clinical testing. Allele origin: germline.
Comment: In summary, the available evidence is currently insufficient to determine the role of this variant in disease. Therefore, it has been classified as a Variant of Uncertain Significance. Algorithms developed to predict the effect of missense changes on protein structure and function output the following: SIFT: "Tolerated"; PolyPhen-2: "Benign"; Align-GVGD: "Class C0". The isoleucine amino acid residue is found in multiple mammalian species, suggesting that this missense change does not adversely affect protein function. These predictions have not been confirmed by published functional studies and their clinical significance is uncertain. This variant has not been reported in the literature in individuals with DNAAF3-related conditions. This variant is not present in population databases (ExAC no frequency). This sequence change replaces valine with isoleucine at codon 306 of the DNAAF3 protein (p.Val306Ile). The valine residue is highly conserved and there is a small physicochemical difference between valine and isoleucine.